The following is an entry in ClinVar:

ClinVar aggregate classification (germline): Uncertain significance (1 of 4 stars; one submission).

Conditions:
Generalized epilepsy with febrile seizures plus, type 7 (GEFSP7). Also called: GEFS+, TYPE 7. Identifiers: Orphanet 36387, MedGen C2751778, MONDO:0013470, OMIM 613863.
Neuropathy, hereditary sensory and autonomic, type 2A (HSAN2A). Also called: MORVAN DISEASE; NEUROPATHY, CONGENITAL SENSORY; NEUROPATHY, HEREDITARY SENSORY RADICULAR, AUTOSOMAL RECESSIVE; NEUROPATHY, HEREDITARY SENSORY, TYPE IIA; NEUROPATHY, PROGRESSIVE SENSORY, OF CHILDREN; HSAN IIA. Identifiers: Orphanet 970, MedGen C2752089, MONDO:0024309, OMIM 201300.

Submission:

Labcorp Genetics (formerly Invitae), Labcorp
Classification: Uncertain significance for Neuropathy, hereditary sensory and autonomic, type 2A; Generalized epilepsy with febrile seizures plus, type 7. Last evaluated: 2021-12-25. Review status: criteria provided, single submitter. Criteria: Invitae Variant Classification Sherloc (09022015). Collection method: clinical testing. Allele origin: germline.
Comment: In summary, the available evidence is currently insufficient to determine the role of this variant in disease. Therefore, it has been classified as a Variant of Uncertain Significance. This variant has not been reported in the literature in individuals affected with SCN9A-related conditions. This variant results in a copy number gain of the genomic region encompassing exon(s) 11-27 of the SCN9A gene. This region includes the termination codon of the gene. This copy number gain extends beyond the assayed region for this gene and therefore may encompass additional genes. As the precise location of this event is unknown, it may be in tandem or it may be located elsewhere in the genome.

NC_000002.11:g.(?_167055182)_(167143153_?)dup

Gene: SCN9A (sodium voltage-gated channel alpha subunit 9; minus strand). Cytogenetic location: 2q24.3.
Variant type: Duplication.
Identifiers: ClinVar variation 2424584 (VCV002424584.4).